The following is an entry in ClinVar:

ClinVar aggregate classification (germline): Uncertain significance (1 of 4 stars; one submission).

Submission:

Labcorp Genetics (formerly Invitae), Labcorp
Classification: Uncertain significance. Last evaluated: 2024-10-07. Review status: criteria provided, single submitter. Criteria: Invitae Variant Classification Sherloc (09022015). Collection method: clinical testing. Allele origin: germline.
Comment: This sequence change replaces asparagine, which is neutral and polar, with aspartic acid, which is acidic and polar, at codon 207 of the TONSL protein (p.Asn207Asp). This variant is not present in population databases (gnomAD no frequency). This variant has not been reported in the literature in individuals affected with TONSL-related conditions. ClinVar contains an entry for this variant (Variation ID: 1511353). Invitae Evidence Modeling of protein sequence and biophysical properties (such as structural, functional, and spatial information, amino acid conservation, physicochemical variation, residue mobility, and thermodynamic stability) indicates that this missense variant is expected to disrupt TONSL protein function with a positive predictive value of 80%. In summary, the available evidence is currently insufficient to determine the role of this variant in disease. Therefore, it has been classified as a Variant of Uncertain Significance.

NM_013432.5(TONSL):c.619A>G (p.Asn207Asp)

Gene: TONSL (tonsoku like, DNA repair protein; minus strand). Cytogenetic location: 8q24.3.
Variant type: single nucleotide variant.
Coding change: c.619A>G on transcript NM_013432.5 (MANE Select); coding-DNA position 619, A replaced by G.
Protein change: p.Asn207Asp; replaces asparagine 207 with aspartic acid.
Molecular consequence: missense variant.
Genome position (GRCh38, 1-based): chr8:144,442,372, T>C on the plus strand (A>G on the coding strand, the complement: TONSL is on the minus strand). VCF-style: chr8-144442372-T-C. GRCh37 (hg19) VCF-style: chr8-145667755-T-C.
Other names: short protein forms N207D.
Identifiers: ClinVar variation 1511353 (VCV001511353.6), dbSNP rs2129694807, ClinGen allele CA372676874.
Genomic context (GRCh38, chr8:144,442,372, plus strand): 5'-CCTCCAAGCAGCGCATAGCCTGGGAGTGCTGGCCCGCGCGCCAGTGGATGGTGCCCAGGT[T>C]GTAGCGGGCGCGGAATAGGTCCTCGTAAAGGTGGTTCTGCCTGCAGAGGGGTGACGACCA-3'
Protein context (NP_038460.4, residues 197-217): LYEDLFRARY[Asn207Asp]LGTIHWRAGQ